The following is an entry in ClinVar:

ClinVar aggregate classification (germline): Benign/Likely benign. Review status: criteria provided, multiple submitters, no conflicts (2 of 4 stars). 3 submissions from 3 submitters: Benign (1); Likely benign (2). Last evaluated 2025-11-19.

Conditions:
Charcot-Marie-Tooth disease type 2. Also called: Charcot-Marie-Tooth type 2. Identifiers: Orphanet 64746, MedGen C0270914, MONDO:0018993.

Allele frequency attached by ClinVar (database versions not stated): gnomAD 0.00018 and 0.00019; gnomAD exomes 0.00018; TOPMed 0.00018; 1000 Genomes Project 0.00040; 1000 Genomes Project 30x 0.00062; ExAC 0.00013.
gnomAD v4.1: 231 of 1,607,916 alleles (0.014%); highest among the groups gnomAD compares: Admixed American, 0.087%; 1 homozygote.

Submissions (4):

Labcorp Genetics (formerly Invitae), Labcorp
Classification: Benign for Charcot-Marie-Tooth disease type 2. Last evaluated: 2025-11-19. Review status: criteria provided, single submitter. Criteria: Invitae Variant Classification Sherloc (09022015). Collection method: clinical testing. Allele origin: germline.

Women's Health and Genetics/Laboratory Corporation of America, LabCorp
Classification: Likely benign. Last evaluated: 2025-11-19. Review status: criteria provided, single submitter. Criteria: LabCorp Variant Classification Summary - May 2015. Collection method: clinical testing. Allele origin: germline.
Comment: Variant summary: KIF1B c.4686+15T>G alters a nucleotide located at a position not widely known to affect splicing. Several computational tools predict a significant impact on normal splicing: Four predict the variant creates a cryptic 5' donor site. However, these predictions have yet to be confirmed by functional studies. The variant allele was found at a frequency of 0.00018 in 251454 control chromosomes (gnomAD). To our knowledge, no occurrence of c.4686+15T>G in individuals affected with KIF1B-related conditions and no experimental evidence demonstrating its impact on protein function have been reported. ClinVar contains an entry for this variant (Variation ID: 1599153). Based on the evidence outlined above, the variant was classified as likely benign.

Blueprint Genetics
Classification: Likely benign. Last evaluated: 2024-10-30. Review status: criteria provided, single submitter. Criteria: ACMG Guidelines, 2015. Collection method: clinical testing. Allele origin: germline.

Dr. Peter K. Rogan Lab, Western University
No classification provided (evidence only). Condition: Acute myeloid leukemia. Review status: no classification provided. Collection method: in vitro. Allele origin: not applicable. Functional consequence: retained intron. Not counted in ClinVar's aggregate classification.

NM_001365951.3(KIF1B):c.4824+15T>G

Gene: KIF1B (kinesin family member 1B; plus strand). Cytogenetic location: 1p36.22.
Variant type: single nucleotide variant.
Coding change: c.4824+15T>G on transcript NM_001365951.3 (MANE Select); 15 bases into the intron after coding-DNA position 4824, T replaced by G.
Molecular consequence: intron variant.
Genome position (GRCh38, 1-based): chr1:10,368,553, T>G. VCF-style: chr1-10368553-T-G. GRCh37 (hg19) VCF-style: chr1-10428611-T-G.
Other names: c.4686+15T>G (NM_015074.3); c.4824+15T>G (NM_001365952.1).
Identifiers: ClinVar variation 1599153 (VCV001599153.11), dbSNP rs201508062, ClinGen allele CA582187.